The following is an entry in ClinVar:

NM_000191.3(HMGCL):c.286del (p.Gln96fs)

Gene: HMGCL (3-hydroxy-3-methylglutaryl-CoA lyase; minus strand). Cytogenetic location: 1p36.11.
Variant type: Deletion.
Coding change: c.286del on transcript NM_000191.3 (MANE Select); coding-DNA position 286, one base deleted (C; older notation c.286delC).
Protein change: p.Gln96fs; shifts the reading frame from glutamine 96.
Molecular consequence: frameshift variant.
Genome position (GRCh38, 1-based): chr1:23,816,737, G deleted on the plus strand (C on the coding strand, the reverse complement: HMGCL is on the minus strand). VCF-style (leftmost placement, unchanged base first): chr1-23816736-TG-T. GRCh37 (hg19) VCF-style: chr1-24143226-TG-T.
Other names: c.286del, p.Gln96fs (NM_001166059.2); short protein forms Q96fs.
Identifiers: ClinVar variation 554439 (VCV000554439.9), dbSNP rs1184002840, ClinGen allele CA521650923.

ClinVar aggregate classification (germline): Pathogenic/Likely pathogenic. Review status: criteria provided, multiple submitters, no conflicts (2 of 4 stars). 4 submissions from 4 submitters: Pathogenic (2); Likely pathogenic (1). 1 of the submissions does not count toward it. Last evaluated 2025-07-25.

Conditions:
Long chain 3-hydroxyacyl-CoA dehydrogenase deficiency. Also called: Deficiency of long-chain 3-hydroxyacyl-coenzyme A dehydrogenase; LCHAD Deficiency. Identifiers: Orphanet 5, MedGen C3711645, MONDO:0012173, OMIM 609016.
Deficiency of hydroxymethylglutaryl-CoA lyase (HMGCLD). Also called: HMGCL DEFICIENCY; HYDROXYMETHYLGLUTARIC ACIDURIA; Defect in leucine metabolism; 3-hydroxy-3-methylglutaric aciduria; HMG-CoA LYASE DEFICIENCY. Identifiers: Orphanet 20, MedGen C1533587, MONDO:0009520, OMIM 246450.

Allele frequency attached by ClinVar (database versions not stated): gnomAD exomes below 0.00001.

Submissions (4):

Natera, Inc.
Classification: Pathogenic for Deficiency of long-chain 3-hydroxyacyl-coenzyme A dehydrogenase. Last evaluated: 2025-07-25. Review status: criteria provided, single submitter. Criteria: Natera Variant Classification Schema (03/2026). Collection method: clinical testing. Allele origin: germline.
Comment: The c.286delC variant in HMGCL is a frameshift variant predicted to shift the reading frame beginning at codon 96 and leads to a stop codon 11 codons downstream. This variant is expected to result in nonsense mediated decay, truncation, or a dysfunctional protein product. This variant is rare in the general population with a frequency below the threshold expected for the associated phenotype(s). This variant has been observed in one or more individuals affected with the associated recessive disease, as either homozygous or compound heterozygous with a second variant (PMID: 35193149). Given the available evidence, this variant is classified as Pathogenic.

Labcorp Genetics (formerly Invitae), Labcorp
Classification: Pathogenic for Deficiency of hydroxymethylglutaryl-CoA lyase. Last evaluated: 2024-01-25. Review status: criteria provided, single submitter. Criteria: Invitae Variant Classification Sherloc (09022015). Collection method: clinical testing. Allele origin: germline.
Comment: This sequence change creates a premature translational stop signal (p.Gln96Argfs*11) in the HMGCL gene. It is expected to result in an absent or disrupted protein product. Loss-of-function variants in HMGCL are known to be pathogenic (PMID: 9817922, 17692550, 23465862). This variant is present in population databases (no rsID available, gnomAD 0.003%). This variant has not been reported in the literature in individuals affected with HMGCL-related conditions. ClinVar contains an entry for this variant (Variation ID: 554439). For these reasons, this variant has been classified as Pathogenic.

Fulgent Genetics
Classification: Likely pathogenic for Deficiency of hydroxymethylglutaryl-CoA lyase. Last evaluated: 2024-01-22. Review status: criteria provided, single submitter. Criteria: ACMG Guidelines, 2015. Collection method: clinical testing. Allele origin: germline.

Counsyl
Classification: Likely pathogenic for Deficiency of hydroxymethylglutaryl-CoA lyase. Last evaluated: 2017-10-18. Review status: no assertion criteria provided. Collection method: clinical testing. Allele origin: unknown. Not counted in ClinVar's aggregate classification.

Literature cited by the submitters: PubMed 35193149 (cited by Natera, Inc.); PubMed 9817922 (cited by Labcorp Genetics (formerly Invitae), Labcorp); PubMed 17692550 (cited by Labcorp Genetics (formerly Invitae), Labcorp); PubMed 23465862 (cited by Labcorp Genetics (formerly Invitae), Labcorp).